The following is an entry in ClinVar:

ClinVar aggregate classification (germline): Uncertain significance (1 of 4 stars; one submission).

Conditions:
Retinitis pigmentosa 12 (RP12). Also called: RP WITH OR WITHOUT PPRPE; RP WITH OR WITHOUT PRESERVED PARAARTERIOLE RETINAL PIGMENT EPITHELIUM; RETINITIS PIGMENTOSA WITH OR WITHOUT PARAARTERIOLAR PRESERVATION OF RETINAL PIGMENT EPITHELIUM. Identifiers: Orphanet 791, MedGen C1838647, MONDO:0010818, OMIM 600105.
Leber congenital amaurosis 8 (LCA8). Identifiers: Orphanet 65, MedGen C3151202, MONDO:0013453, OMIM 613835.

Allele frequency attached by ClinVar (database versions not stated): gnomAD 0.00001.
gnomAD v4.1: 1 of 1,613,998 alleles (0.000062%); highest among the groups gnomAD compares: Non-Finnish European, 0.000085%; no homozygotes.

Submission:

Labcorp Genetics (formerly Invitae), Labcorp
Classification: Uncertain significance for Leber congenital amaurosis 8; Retinitis pigmentosa 12. Last evaluated: 2021-08-17. Review status: criteria provided, single submitter. Criteria: Invitae Variant Classification Sherloc (09022015). Collection method: clinical testing. Allele origin: germline.
Comment: In summary, the available evidence is currently insufficient to determine the role of this variant in disease. Therefore, it has been classified as a Variant of Uncertain Significance. Algorithms developed to predict the effect of missense changes on protein structure and function (SIFT, PolyPhen-2, Align-GVGD) all suggest that this variant is likely to be disruptive, but these predictions have not been confirmed by published functional studies and their clinical significance is uncertain. This variant has been observed in individual(s) with retinitis pigmentosa (Invitae). This variant is not present in population databases (ExAC no frequency). This sequence change replaces aspartic acid with tyrosine at codon 645 of the CRB1 protein (p.Asp645Tyr). The aspartic acid residue is highly conserved and there is a large physicochemical difference between aspartic acid and tyrosine.

NM_201253.3(CRB1):c.1933G>T (p.Asp645Tyr)

Gene: CRB1 (crumbs cell polarity complex component 1; plus strand). Cytogenetic location: 1q31.3.
Variant type: single nucleotide variant.
Coding change: c.1933G>T on transcript NM_201253.3 (MANE Select); coding-DNA position 1933, G replaced by T.
Protein change: p.Asp645Tyr; replaces aspartic acid 645 with tyrosine.
Molecular consequence: missense variant. On other transcripts: non-coding transcript variant (2).
Genome position (GRCh38, 1-based): chr1:197,421,761, G>T. VCF-style: chr1-197421761-G-T. GRCh37 (hg19) VCF-style: chr1-197390891-G-T.
Other names: c.1597G>T, p.Asp533Tyr (NM_001193640.2); c.1726G>T, p.Asp576Tyr (NM_001257965.2); c.1933G>T, p.Asp645Tyr (NM_001257966.2); short protein forms D533Y, D576Y, D645Y.
Identifiers: ClinVar variation 1064145 (VCV001064145.9), dbSNP rs1218091828, ClinGen allele CA344032943.